The following is an entry in ClinVar:

ClinVar aggregate classification (germline): Conflicting classifications of pathogenicity. Review status: criteria provided, conflicting classifications (1 of 4 stars). 11 submissions from 11 submitters: Uncertain significance (1); Benign (3); Likely benign (4). 3 of the submissions do not count toward it. Last evaluated 2026-02-04.

Conditions:
Usher syndrome. Also called: Usher Syndromes; Usher's syndrome. Identifiers: Orphanet 886, MedGen CN469326, MeSH D052245, MONDO:0019501. Disease mechanism: loss of function.
Inborn genetic diseases. Identifiers: MedGen C0950123, MeSH D030342.
Usher syndrome type 1D (USH1D). Also called: USHER SYNDROME, TYPE ID. Identifiers: Orphanet 231169, Orphanet 886, MedGen C1832845, MONDO:0010984, OMIM 601067.

Allele frequency attached by ClinVar (database versions not stated): gnomAD exomes 0.00042 and 0.00076; ESP Exome Variant Server 0.00081; ExAC 0.00085; gnomAD 0.00142 and 0.00152; TOPMed 0.00155; 1000 Genomes Project 30x 0.00234; 1000 Genomes Project 0.00260.
gnomAD v4.1: 874 of 1,613,692 alleles (0.054%); highest among the groups gnomAD compares: African/African-American, 0.47%; 7 homozygotes.

Submissions (11):

Labcorp Genetics (formerly Invitae), Labcorp
Classification: Likely benign. Last evaluated: 2026-02-04. Review status: criteria provided, single submitter. Criteria: Invitae Variant Classification Sherloc (09022015). Collection method: clinical testing. Allele origin: germline.

Ambry Genetics
Classification: Uncertain significance for Inborn genetic diseases. Last evaluated: 2025-07-31. Review status: criteria provided, single submitter. Criteria: Ambry Variant Classification Scheme 2023. Collection method: clinical testing. Allele origin: germline.

Blueprint Genetics
Classification: Likely benign. Last evaluated: 2024-11-27. Review status: criteria provided, single submitter. Criteria: ACMG Guidelines, 2015. Collection method: clinical testing. Allele origin: germline.

GeneDx
Classification: Likely benign. Last evaluated: 2020-08-12. Review status: criteria provided, single submitter. Criteria: GeneDx Variant Classification Process June 2021. Collection method: clinical testing. Allele origin: germline. Affected: yes.

Eurofins Ntd Llc (ga)
Classification: Likely benign. Last evaluated: 2017-08-17. Review status: criteria provided, single submitter. Criteria: EGL Classification Definitions 2015. Collection method: clinical testing. Allele origin: germline. Observed: 1 variant allele, 1 heterozygote.

Illumina Laboratory Services, Illumina
Classification: Benign for Usher syndrome type 1D. Last evaluated: 2017-04-27. Review status: criteria provided, single submitter. Criteria: ICSL Variant Classification Criteria 13 December 2019. Collection method: clinical testing. Allele origin: germline.
Comment: This variant was observed as part of a predisposition screen in an ostensibly healthy population. A literature search was performed for the gene, cDNA change, and amino acid change (where applicable). No publications were found based on this search. Allele frequency data from public databases was too high to be consistent with this variant causing disease. Therefore, this variant is classified as benign.

Laboratory for Molecular Medicine, Mass General Brigham Personalized Medicine
Classification: Benign. Last evaluated: 2014-10-19. Review status: criteria provided, single submitter. Criteria: LMM Criteria. Collection method: clinical testing. Allele origin: germline. Observed: 5 variant alleles.
Comment: p.Arg1771Gln in exon 41 of CDH23: This variant is not expected to have clinical significance because it has been identified in 5.7% (11/192) of LWK (Kenyan) chr omosomes by the 1000 Genomes Project and in 0.2% (8/3976) of African American ch romosomes by the NHLBI Exome Sequencing Project (S/; rs111033480). In addition the arginine (Arg) amino acid at 1771 is not conse rved across species, with over 10 mammals have a glutamine at this position desp ite high nearby amino acid conservation.

PreventionGenetics, part of Exact Sciences
Classification: Benign. Review status: criteria provided, single submitter. Criteria: ACMG Guidelines, 2015. Collection method: clinical testing. Allele origin: germline.

Clinical Genetics DNA and cytogenetics Diagnostics Lab, Erasmus MC, Erasmus Medical Center
Classification: Likely benign. Review status: no assertion criteria provided. Collection method: clinical testing. Allele origin: germline. Affected: yes. Study: VKGL Data-share Consensus. Not counted in ClinVar's aggregate classification.

Laboratory of Diagnostic Genome Analysis, Leiden University Medical Center (LUMC)
Classification: Likely benign. Review status: no assertion criteria provided. Collection method: clinical testing. Allele origin: germline. Affected: yes. Study: VKGL Data-share Consensus. Not counted in ClinVar's aggregate classification.

SN ONGC Dept of Genetics and Molecular biology Vision Research Foundation
Classification: Likely pathogenic for Usher syndrome. Last evaluated: 2022-12-31. Review status: flagged submission. Criteria: ACMG Guidelines, 2015. Collection method: research. Allele origin: unknown. Affected: yes. Observed: 1 variant allele, 1 heterozygote. Not counted in ClinVar's aggregate classification.
ClinVar note: Reason: Outlier claim with insufficient supporting evidence

NM_022124.6(CDH23):c.5312G>A (p.Arg1771Gln)

Gene: CDH23 (cadherin related 23; plus strand). Cytogenetic location: 10q22.1.
Variant type: single nucleotide variant.
Coding change: c.5312G>A on transcript NM_022124.6 (MANE Select); coding-DNA position 5312, G replaced by A.
Protein change: p.Arg1771Gln; replaces arginine 1771 with glutamine.
Molecular consequence: missense variant.
Genome position (GRCh38, 1-based): chr10:71,779,391, G>A. VCF-style: chr10-71779391-G-A. GRCh37 (hg19) VCF-style: chr10-73539148-G-A.
Other names: short protein forms R1771Q.
Identifiers: ClinVar variation 45974 (VCV000045974.52), dbSNP rs111033480, ClinGen allele CA137477.